The following is an entry in ClinVar:

ClinVar aggregate classification (germline): Likely benign (0 of 4 stars; one submission).

Conditions:
BBS12-related disorder. Also called: BBS12-related condition.

gnomAD v4.1: 2 of 1,613,502 alleles (0.00012%); highest among the groups gnomAD compares: Admixed American, 0.0033%; no homozygotes.

Submission:

PreventionGenetics, part of Exact Sciences
Classification: Likely benign for BBS12-related condition. Last evaluated: 2021-12-23. Review status: no assertion criteria provided. Collection method: clinical testing. Allele origin: germline.
Comment: This variant is classified as likely benign based on ACMG/AMP sequence variant interpretation guidelines (Richards et al. 2015 PMID: 25741868, with internal and published modifications).

NM_152618.3(BBS12):c.-7A>T

Gene: BBS12 (Bardet-Biedl syndrome 12; plus strand). Cytogenetic location: 4q27.
Variant type: single nucleotide variant.
Coding change: c.-7A>T on transcript NM_152618.3 (MANE Select); 7 bases upstream of the start codon, A replaced by T.
Molecular consequence: 5 prime UTR variant.
Genome position (GRCh38, 1-based): chr4:122,741,886, A>T. VCF-style: chr4-122741886-A-T. GRCh37 (hg19) VCF-style: chr4-123663041-A-T.
Other names: c.-7A>T (NM_001178007.2).
Identifiers: ClinVar variation 3352068 (VCV003352068.1).
Genomic context (GRCh38, chr4:122,741,886, plus strand): 5'-GCATTTATAACTATGAATTATACTGAATAAAGTTACAAGTTTTTATTTTGTTTGCAGATC[A>T]TGATACATGGTGATGGCTTGCAGAGTCGTAAACAAAAGAAGACACATGGGACTTCAACAA-3'